The following is an entry in ClinVar:

ClinVar aggregate classification (germline): Uncertain significance (1 of 4 stars; one submission).

Allele frequency attached by ClinVar (database versions not stated): gnomAD exomes below 0.00001; gnomAD 0.00001; TOPMed 0.00002.

Submission:

Labcorp Genetics (formerly Invitae), Labcorp
Classification: Uncertain significance. Last evaluated: 2025-02-03. Review status: criteria provided, single submitter. Criteria: Invitae Variant Classification Sherloc (09022015). Collection method: clinical testing. Allele origin: germline.
Comment: This sequence change replaces phenylalanine, which is neutral and non-polar, with serine, which is neutral and polar, at codon 19 of the GHR protein (p.Phe19Ser). This variant is present in population databases (no rsID available, gnomAD 0.003%). This variant has not been reported in the literature in individuals affected with GHR-related conditions. ClinVar contains an entry for this variant (Variation ID: 2812710). Invitae Evidence Modeling of protein sequence and biophysical properties (such as structural, functional, and spatial information, amino acid conservation, physicochemical variation, residue mobility, and thermodynamic stability) indicates that this missense variant is not expected to disrupt GHR protein function with a negative predictive value of 80%. In summary, the available evidence is currently insufficient to determine the role of this variant in disease. Therefore, it has been classified as a Variant of Uncertain Significance.

NM_000163.5(GHR):c.56T>C (p.Phe19Ser)

Gene: GHR (growth hormone receptor; plus strand). Cytogenetic location: 5p12.
Variant type: single nucleotide variant.
Coding change: c.56T>C on transcript NM_000163.5 (MANE Select); coding-DNA position 56, T replaced by C.
Protein change: p.Phe19Ser; replaces phenylalanine 19 with serine.
Molecular consequence: missense variant.
Genome position (GRCh38, 1-based): chr5:42,565,930, T>C. VCF-style: chr5-42565930-T-C. GRCh37 (hg19) VCF-style: chr5-42566032-T-C.
Other names: c.77T>C, p.Phe26Ser (NM_001242399.2); c.56T>C, p.Phe19Ser (NM_001242400.2, NM_001242401.4, NM_001242402.2 and 6 more transcripts); short protein forms F19S, F26S.
Identifiers: ClinVar variation 2812710 (VCV002812710.3), dbSNP rs1397295577, ClinGen allele CA359694487.
Genomic context (GRCh38, chr5:42,565,930, plus strand): 5'-CAGGTATGGATCTCTGGCAGCTGCTGTTGACCTTGGCACTGGCAGGATCAAGTGATGCTT[T>C]TTCTGGAAGTGAGGGTGAGTTCTGCTTTTCCATTTCCACCCTCAGTGTTTTGAAACAACA-3'
Protein context (NP_000154.1, residues 9-29): TLALAGSSDA[Phe19Ser]SGSEATAAIL